The following is an entry in ClinVar:

ClinVar aggregate classification (germline): Uncertain significance (1 of 4 stars; one submission).

Submission:

CeGaT Center for Human Genetics Tuebingen
Classification: Uncertain significance. Last evaluated: 2025-11-01. Review status: criteria provided, single submitter. Criteria: CeGaT Center For Human Genetics Tuebingen Variant Classification Criteria Version 2. Collection method: clinical testing. Allele origin: germline. Affected: yes. Observed: 1 variant allele.
Comment: KMT2B: PM2

NM_014727.3(KMT2B):c.2849G>C (p.Arg950Pro)

Gene: KMT2B (lysine methyltransferase 2B; plus strand). Cytogenetic location: 19q13.12.
Variant type: single nucleotide variant.
Coding change: c.2849G>C on transcript NM_014727.3 (MANE Select); coding-DNA position 2849, G replaced by C.
Protein change: p.Arg950Pro; replaces arginine 950 with proline.
Molecular consequence: missense variant.
Genome position (GRCh38, 1-based): chr19:35,723,121, G>C. VCF-style: chr19-35723121-G-C. GRCh37 (hg19) VCF-style: chr19-36214023-G-C.
Other names: short protein forms R950P.
Identifiers: ClinVar variation 4534734 (VCV004534734.6).